The following is an entry in ClinVar:

NM_001034850.3(RETREG1):c.1153A>C (p.Arg385=)

Gene: RETREG1 (reticulophagy regulator 1; minus strand). Cytogenetic location: 5p15.1.
Variant type: single nucleotide variant.
Coding change: c.1153A>C on transcript NM_001034850.3 (MANE Select); coding-DNA position 1153, A replaced by C.
Protein change: p.Arg385=; no amino-acid change (arginine 385 retained).
Molecular consequence: synonymous variant.
Genome position (GRCh38, 1-based): chr5:16,475,082, T>G on the plus strand (A>C on the coding strand, the complement: RETREG1 is on the minus strand). VCF-style: chr5-16475082-T-G. GRCh37 (hg19) VCF-style: chr5-16475191-T-G.
Other names: c.730A>C, p.Arg244= (NM_019000.5).
Identifiers: ClinVar variation 705879 (VCV000705879.12), dbSNP rs139874020, ClinGen allele CA3210240.

ClinVar aggregate classification (germline): Likely benign. Review status: criteria provided, multiple submitters, no conflicts (2 of 4 stars). 2 submissions from 2 submitters: Likely benign (2). Last evaluated 2026-06-23.

Conditions:
RETREG1-related disorder. Also called: RETREG1-related condition.

Allele frequency attached by ClinVar (database versions not stated): gnomAD 0.00001; TOPMed 0.00002; gnomAD exomes 0.00003 and 0.00004; ExAC 0.00004; 1000 Genomes Project 30x 0.00016; 1000 Genomes Project 0.00020.
gnomAD v4.1: 41 of 1,614,016 alleles (0.0025%); highest among the groups gnomAD compares: Non-Finnish European, 0.0033%; no homozygotes.

Submissions (2):

PreventionGenetics, part of Exact Sciences
Classification: Likely benign for RETREG1-related condition. Last evaluated: 2026-06-23. Review status: criteria provided, single submitter. Criteria: ACMG Guidelines, 2015. Collection method: clinical testing. Allele origin: germline.
Comment: This variant is classified as likely benign based on ACMG/AMP sequence variant interpretation guidelines (Richards et al. 2015 PMID: 25741868, with internal and published modifications).

Labcorp Genetics (formerly Invitae), Labcorp
Classification: Likely benign. Last evaluated: 2024-08-31. Review status: criteria provided, single submitter. Criteria: Invitae Variant Classification Sherloc (09022015). Collection method: clinical testing. Allele origin: germline.